The following is an entry in ClinVar:

NM_000059.4(BRCA2):c.7878del (p.Arg2625_Trp2626insTer)

Gene: BRCA2 (BRCA2 DNA repair associated; plus strand). Cytogenetic location: 13q13.1.
Variant type: Deletion.
Coding change: c.7878del on transcript NM_000059.4 (MANE Select); coding-DNA position 7878, one base deleted (G; older notation c.7878delG).
Protein change: p.Arg2625_Trp2626insTer.
Molecular consequence: nonsense.
Genome position (GRCh38, 1-based): chr13:32,362,595, G deleted; the last of 2 consecutive G bases (chr13:32,362,594-32,362,595); deleting either gives the same sequence. VCF-style (leftmost placement, unchanged base first): chr13-32362593-TG-T. GRCh37 (hg19) VCF-style: chr13-32936730-TG-T.
Other names: c.7878delG (NM_000059.3).
Identifiers: ClinVar variation 441339 (VCV000441339.7), dbSNP rs1555286842, ClinGen allele CA658653812.

ClinVar aggregate classification (germline): Pathogenic. Review status: reviewed by expert panel (3 of 4 stars). 3 submissions from 3 submitters: Pathogenic (1). 2 of the submissions do not count toward it. Last evaluated 2017-12-15.

Conditions:
Breast-ovarian cancer, familial, susceptibility to, 2 (BROVCA2). Also called: BRCA2 Hereditary Breast and Ovarian Cancer. Identifiers: Orphanet 145, MedGen C2675520, MONDO:0012933, OMIM 612555. Disease mechanism: loss of function.
Hereditary cancer-predisposing syndrome. Also called: Hereditary Cancer Syndrome; Hereditary neoplastic syndrome; Tumor predisposition; Neoplastic Syndromes, Hereditary. Identifiers: Orphanet 140162, MedGen C0027672, MeSH D009386, MONDO:0015356.
Hereditary breast ovarian cancer syndrome. Also called: Hereditary breast and ovarian cancer syndrome; BRCA1- and BRCA2-Associated Hereditary Breast and Ovarian Cancer; Hereditary breast and ovarian cancer syndrome (HBOC); Hereditary breast and/or ovarian cancer syndrome; Hereditary breast and ovarian cancer; Breast and ovarian cancer. Identifiers: Orphanet 145, MedGen C0677776, MeSH D061325, MONDO:0003582. Disease mechanism: loss of function.

Submissions (3):

Evidence-based Network for the Interpretation of Germline Mutant Alleles (ENIGMA)
Classification: Pathogenic for Breast-ovarian cancer, familial, susceptibility to, 2. Last evaluated: 2017-12-15. Review status: reviewed by expert panel. Criteria: ENIGMA BRCA1/2 Classification Criteria (2017-06-29). Collection method: curation. Allele origin: germline. Study: ENIGMA.
Comment: Variant allele predicted to encode a truncated non-functional protein.

Ambry Genetics
Classification: Pathogenic for Hereditary cancer-predisposing syndrome. Last evaluated: 2025-07-11. Review status: criteria provided, single submitter. Criteria: Ambry Variant Classification Scheme 2023. Collection method: clinical testing. Allele origin: germline. Not counted in ClinVar's aggregate classification.
Comment: The c.7878delG pathogenic mutation, located in coding exon 16 of the BRCA2 gene, results from a deletion of one nucleotide at nucleotide position 7878, causing a translational frameshift with a predicted alternate stop codon (p.W2626*). This alteration is expected to result in loss of function by premature protein truncation or nonsense-mediated mRNA decay. As such, this alteration is interpreted as a disease-causing mutation.

Labcorp Genetics (formerly Invitae), Labcorp
Classification: Pathogenic for Hereditary breast ovarian cancer syndrome. Last evaluated: 2025-02-16. Review status: criteria provided, single submitter. Criteria: Invitae Variant Classification Sherloc (09022015). Collection method: clinical testing. Allele origin: germline. Not counted in ClinVar's aggregate classification.
Comment: This sequence change creates a premature translational stop signal (p.Trp2626*) in the BRCA2 gene. It is expected to result in an absent or disrupted protein product. Loss-of-function variants in BRCA2 are known to be pathogenic (PMID: 20104584). This variant is not present in population databases (gnomAD no frequency). This premature translational stop signal has been observed in individual(s) with breast and/or ovarian cancer (PMID: 27157322). ClinVar contains an entry for this variant (Variation ID: 441339). Algorithms developed to predict the effect of sequence changes on RNA splicing suggest that this variant may disrupt the consensus splice site. For these reasons, this variant has been classified as Pathogenic.

Literature cited by the submitters: PubMed 20104584 (cited by Labcorp Genetics (formerly Invitae), Labcorp); PubMed 27157322 (cited by Labcorp Genetics (formerly Invitae), Labcorp).